The following is an entry in ClinVar:

NM_003906.5(MCM3AP):c.4433C>T (p.Ser1478Leu)

Genes: MCM3AP (minichromosome maintenance complex component 3 associated protein; minus strand), MCM3AP-AS1 (MCM3AP antisense RNA 1; plus strand). Cytogenetic location: 21q22.3.
Variant type: single nucleotide variant.
Coding change: c.4433C>T on transcript NM_003906.5 (MANE Select); coding-DNA position 4433, C replaced by T.
Protein change: p.Ser1478Leu; replaces serine 1478 with leucine.
Molecular consequence: missense variant.
Genome position (GRCh38, 1-based): chr21:46,246,744, G>A on the plus strand (C>T on the coding strand, the complement: MCM3AP is on the minus strand). VCF-style: chr21-46246744-G-A. GRCh37 (hg19) VCF-style: chr21-47666658-G-A.
Other names: p.Ser1478Leu; short protein forms S1478L.
Identifiers: ClinVar variation 3380683 (VCV003380683.1).
Genomic context (GRCh38, chr21:46,246,744, plus strand): 5'-AGAGGAAGCGCAGGCTGGAAGGGCTTAGCCTGCAGGAGCTGCTTGAGCTGCAGCAAGGCC[G>A]ACAGCCAGTACACGTCCTCCTCTGCCATGTCCTCACTCTTCATTTTGGGGGGAAGCAGCA-3'
Protein context (NP_003897.2, residues 1468-1488): DMAEEDVYWL[Ser1478Leu]ALLQLKQLLQ

ClinVar aggregate classification (germline): Uncertain significance (1 of 4 stars; one submission).

gnomAD v4.1: 8 of 1,614,210 alleles (0.0005%); highest among the groups gnomAD compares: East Asian, 0.0045%; no homozygotes.

Submission:

Mayo Clinic Laboratories, Mayo Clinic
Classification: Uncertain significance. Last evaluated: 2023-08-10. Review status: criteria provided, single submitter. Criteria: ACMG Guidelines, 2015. Collection method: clinical testing. Allele origin: germline. Observed: 1 variant allele.
Comment: BP4, PM2_moderate